The following is an entry in ClinVar:

NM_004423.4(DVL3):c.554A>T (p.Glu185Val)

Gene: DVL3 (dishevelled segment polarity protein 3; plus strand). Cytogenetic location: 3q27.1.
Variant type: single nucleotide variant.
Coding change: c.554A>T on transcript NM_004423.4 (MANE Select); coding-DNA position 554, A replaced by T.
Protein change: p.Glu185Val; replaces glutamic acid 185 with valine.
Molecular consequence: missense variant.
Genome position (GRCh38, 1-based): chr3:184,164,886, A>T. VCF-style: chr3-184164886-A-T. GRCh37 (hg19) VCF-style: chr3-183882674-A-T.
Other names: short protein forms E185V.
Identifiers: ClinVar variation 1306645 (VCV001306645.2), dbSNP rs2109021248, ClinGen allele CA355406248.
Genomic context (GRCh38, chr3:184,164,886, plus strand): 5'-AACGGCGGCGAGAACCAGGGGGTTATGATAGCTCATCCACCCTTATGAGCAGTGAGCTGG[A>T]GACCACCAGCTTCTTTGACTCAGATGAGGATGACTCCACCAGCAGGTGGGGCTTGAGTTT-3'
Protein context (NP_004414.3, residues 175-195): SSSTLMSSEL[Glu185Val]TTSFFDSDED

ClinVar aggregate classification (germline): Uncertain significance (1 of 4 stars; one submission).

Submission:

GeneDx
Classification: Uncertain significance. Last evaluated: 2019-06-20. Review status: criteria provided, single submitter. Criteria: GeneDx Variant Classification Process June 2021. Collection method: clinical testing. Allele origin: germline. Affected: yes.
Comment: Not observed in large population cohorts (Lek et al., 2016); In silico analysis, which includes protein predictors and evolutionary conservation, supports a deleterious effect; Has not been previously published as pathogenic or benign to our knowledge